The following is an entry in ClinVar:

ClinVar aggregate classification (germline): Likely benign (1 of 4 stars; one submission).

Allele frequency attached by ClinVar (database versions not stated): ExAC 0.00628.

Submission:

CeGaT Center for Human Genetics Tuebingen
Classification: Likely benign. Last evaluated: 2023-07-01. Review status: criteria provided, single submitter. Criteria: CeGaT Center For Human Genetics Tuebingen Variant Classification Criteria Version 2. Collection method: clinical testing. Allele origin: germline. Affected: yes. Observed: 1 variant allele.
Comment: GGT2P: BP4, BP7, BS2

NC_000022.11:g.21222199G>A

Gene: GGT2 (gamma-glutamyltransferase 2; minus strand). Cytogenetic location: 22q11.21.
Variant type: single nucleotide variant.
Genome position: GRCh38 VCF-style: chr22-21222199-G-A. GRCh37 (hg19) VCF-style: chr22-21576488-G-A.
Identifiers: ClinVar variation 2652942 (VCV002652942.23), dbSNP rs770416736, ClinGen allele CA10121491.